The following is an entry in ClinVar:

ClinVar aggregate classification (germline): Likely benign (1 of 4 stars; one submission).

Conditions:
Familial hypercholesterolemia. Also called: Familial hypercholesterolaemia. Identifiers: MedGen C0020445, MONDO:0005439.

Submission:

GENinCode PLC
Classification: Likely benign for Familial hypercholesterolemia. Last evaluated: 2025-02-12. Review status: criteria provided, single submitter. Criteria: ACMG Guidelines, 2015. Collection method: clinical testing. Allele origin: germline.
Comment: This is a synonymous (silent) variant that is not predicted to impact splicing and occurs at a nucleotide which is not highly conserved. This variant has been classified as Likely Benign (BP4, BP7).

NM_000384.3(APOB):c.9912G>A (p.Leu3304=)

Gene: APOB (apolipoprotein B; minus strand). Cytogenetic location: 2p24.1.
Variant type: single nucleotide variant.
Coding change: c.9912G>A on transcript NM_000384.3 (MANE Select); coding-DNA position 9912, G replaced by A.
Protein change: p.Leu3304=; no amino-acid change (leucine 3304 retained).
Molecular consequence: synonymous variant.
Genome position (GRCh38, 1-based): chr2:21,006,956, C>T on the plus strand (G>A on the coding strand, the complement: APOB is on the minus strand). VCF-style: chr2-21006956-C-T. GRCh37 (hg19) VCF-style: chr2-21229828-C-T.
Identifiers: ClinVar variation 4077002 (VCV004077002.1).